The following is an entry in ClinVar:

ClinVar aggregate classification (germline): Uncertain significance (1 of 4 stars; one submission).

Conditions:
Generalized epilepsy-paroxysmal dyskinesia syndrome (PNKD3). Also called: Generalized epilepsy and paroxysmal dyskinesia; Paroxysmal nonkinesigenic dyskinesia, 3, with or without generalized epilepsy. Identifiers: Orphanet 79137, MedGen C5574945, MONDO:0012276, OMIM 609446.

Submission:

Labcorp Genetics (formerly Invitae), Labcorp
Classification: Uncertain significance for Generalized epilepsy-paroxysmal dyskinesia syndrome. Last evaluated: 2022-07-12. Review status: criteria provided, single submitter. Criteria: Invitae Variant Classification Sherloc (09022015). Collection method: clinical testing. Allele origin: germline.
Comment: This variant is not present in population databases (gnomAD no frequency). This sequence change replaces methionine, which is neutral and non-polar, with threonine, which is neutral and polar, at codon 169 of the KCNMA1 protein (p.Met169Thr). This variant has not been reported in the literature in individuals affected with KCNMA1-related conditions. ClinVar contains an entry for this variant (Variation ID: 1485180). Algorithms developed to predict the effect of missense changes on protein structure and function are either unavailable or do not agree on the potential impact of this missense change (SIFT: "Deleterious"; PolyPhen-2: "Possibly Damaging"; Align-GVGD: "Class C0"). In summary, the available evidence is currently insufficient to determine the role of this variant in disease. Therefore, it has been classified as a Variant of Uncertain Significance.

NM_001161352.2(KCNMA1):c.506T>C (p.Met169Thr)

Gene: KCNMA1 (potassium calcium-activated channel subfamily M alpha 1; minus strand). Cytogenetic location: 10q22.3.
Variant type: single nucleotide variant.
Coding change: c.506T>C on transcript NM_001161352.2 (MANE Select); coding-DNA position 506, T replaced by C.
Protein change: p.Met169Thr; replaces methionine 169 with threonine.
Molecular consequence: missense variant. On other transcripts: intron variant (1).
Genome position (GRCh38, 1-based): chr10:77,403,896, A>G on the plus strand (T>C on the coding strand, the complement: KCNMA1 is on the minus strand). VCF-style: chr10-77403896-A-G. GRCh37 (hg19) VCF-style: chr10-79163654-A-G.
Other names: c.506T>C, p.Met169Thr (NM_001014797.3, NM_001161353.2, NM_001271519.2 and 7 more transcripts); c.379-152640T>C (NM_001271518.2); short protein forms M169T.
Identifiers: ClinVar variation 1485180 (VCV001485180.8), dbSNP rs2154465065, ClinGen allele CA377410990.